The following is an entry in ClinVar:

ClinVar aggregate classification (germline): Uncertain significance. Review status: criteria provided, multiple submitters, no conflicts (2 of 4 stars). 2 submissions from 2 submitters: Uncertain significance (2). Last evaluated 2024-12-04.

Conditions:
Inborn genetic diseases. Identifiers: MedGen C0950123, MeSH D030342.

Allele frequency attached by ClinVar (database versions not stated): gnomAD 0.00001; gnomAD exomes 0.00001 and 0.00002; ExAC 0.00002; TOPMed 0.00002; ESP Exome Variant Server 0.00008.
gnomAD v4.1: 32 of 1,613,780 alleles (0.002%); highest among the groups gnomAD compares: Non-Finnish European, 0.0027%; no homozygotes.

Submissions (2):

Ambry Genetics
Classification: Uncertain significance for Inborn genetic diseases. Last evaluated: 2024-12-04. Review status: criteria provided, single submitter. Criteria: Ambry Variant Classification Scheme 2023. Collection method: clinical testing. Allele origin: germline.

Labcorp Genetics (formerly Invitae), Labcorp
Classification: Uncertain significance. Last evaluated: 2022-06-07. Review status: criteria provided, single submitter. Criteria: Invitae Variant Classification Sherloc (09022015). Collection method: clinical testing. Allele origin: germline.
Comment: This sequence change replaces isoleucine, which is neutral and non-polar, with threonine, which is neutral and polar, at codon 2838 of the PCLO protein (p.Ile2838Thr). This variant is present in population databases (rs375147781, gnomAD 0.003%). This variant has not been reported in the literature in individuals affected with PCLO-related conditions. Algorithms developed to predict the effect of missense changes on protein structure and function output the following: SIFT: "Tolerated"; PolyPhen-2: "Not Available"; Align-GVGD: "Class C0". The threonine amino acid residue is found in multiple mammalian species, which suggests that this missense change does not adversely affect protein function. In summary, the available evidence is currently insufficient to determine the role of this variant in disease. Therefore, it has been classified as a Variant of Uncertain Significance.

NM_033026.6(PCLO):c.8513T>C (p.Ile2838Thr)

Gene: PCLO (piccolo presynaptic cytomatrix protein; minus strand). Cytogenetic location: 7q21.11.
Variant type: single nucleotide variant.
Coding change: c.8513T>C on transcript NM_033026.6 (MANE Select); coding-DNA position 8513, T replaced by C.
Protein change: p.Ile2838Thr; replaces isoleucine 2838 with threonine.
Molecular consequence: missense variant.
Genome position (GRCh38, 1-based): chr7:82,952,440, A>G on the plus strand (T>C on the coding strand, the complement: PCLO is on the minus strand). VCF-style: chr7-82952440-A-G. GRCh37 (hg19) VCF-style: chr7-82581756-A-G.
Other names: c.8513T>C, p.Ile2838Thr (NM_014510.3); c.8513T>C (NM_033026.5); short protein forms I2838T.
Identifiers: ClinVar variation 1485434 (VCV001485434.6), dbSNP rs375147781, ClinGen allele CA4320110.